The following is an entry in ClinVar:

NM_177438.3(DICER1):c.1580A>G (p.Asp527Gly)

Gene: DICER1 (dicer 1, ribonuclease III; minus strand). Cytogenetic location: 14q32.13.
Variant type: single nucleotide variant.
Coding change: c.1580A>G on transcript NM_177438.3 (MANE Select); coding-DNA position 1580, A replaced by G.
Protein change: p.Asp527Gly; replaces aspartic acid 527 with glycine.
Molecular consequence: missense variant. On other transcripts: non-coding transcript variant (6), intron variant (1).
Genome position (GRCh38, 1-based): chr14:95,116,625, T>C on the plus strand (A>G on the coding strand, the complement: DICER1 is on the minus strand). VCF-style: chr14-95116625-T-C. GRCh37 (hg19) VCF-style: chr14-95582962-T-C.
Other names: c.1580A>G, p.Asp527Gly (NM_001195573.1, NM_001271282.3, NM_001291628.2 and 13 more transcripts); c.1298A>G, p.Asp433Gly (NM_001395686.1); c.1175A>G, p.Asp392Gly (NM_001395687.1, NM_001395688.1, NM_001395689.1 and 3 more transcripts); c.1013A>G, p.Asp338Gly (NM_001395691.1); c.-59-45A>G (NM_001395697.1); short protein forms D433G, D338G, D392G, D527G.
Identifiers: ClinVar variation 1775685 (VCV001775685.3), dbSNP rs2543034626, ClinGen allele CA390885031.
Genomic context (GRCh38, chr14:95,116,625, plus strand): 5'-ACATAGGATCGATATTCTGTGGGCAAATCAAAACGAACCACCAAGTTGCATTTTGGTATA[T>C]CAACACCCTCTTCTACAATACTTGTTGCAATAAGCAGGTTGGTCTCATGTGCTCGAAATT-3'
Protein context (NP_803187.1, residues 517-537): IATSIVEEGV[Asp527Gly]IPKCNLVVRF

ClinVar aggregate classification (germline): Uncertain significance (1 of 4 stars; one submission).

Conditions:
Hereditary cancer-predisposing syndrome. Also called: Neoplastic Syndromes, Hereditary; Tumor predisposition; Hereditary Cancer Syndrome; Hereditary neoplastic syndrome. Identifiers: Orphanet 140162, MedGen C0027672, MeSH D009386, MONDO:0015356.

Submission:

Ambry Genetics
Classification: Uncertain significance for Hereditary cancer-predisposing syndrome. Last evaluated: 2025-05-09. Review status: criteria provided, single submitter. Criteria: Ambry Variant Classification Scheme 2023. Collection method: clinical testing. Allele origin: germline.
Comment: The p.D527G variant (also known as c.1580A>G), located in coding exon 9 of the DICER1 gene, results from an A to G substitution at nucleotide position 1580. The aspartic acid at codon 527 is replaced by glycine, an amino acid with similar properties. This amino acid position is highly conserved in available vertebrate species. In addition, this alteration is predicted to be deleterious by in silico analysis. Based on the available evidence, the clinical significance of this variant remains unclear.